The following is an entry in ClinVar:

NM_001276345.2(TNNT2):c.34G>A (p.Glu12Lys)

Gene: TNNT2 (troponin T2, cardiac type; minus strand). Cytogenetic location: 1q32.1.
Variant type: single nucleotide variant.
Coding change: c.34G>A on transcript NM_001276345.2 (MANE Select); coding-DNA position 34, G replaced by A.
Protein change: p.Glu12Lys; replaces glutamic acid 12 with lysine.
Molecular consequence: missense variant.
Genome position (GRCh38, 1-based): chr1:201,373,221, C>T on the plus strand (G>A on the coding strand, the complement: TNNT2 is on the minus strand). VCF-style: chr1-201373221-C-T. GRCh37 (hg19) VCF-style: chr1-201342349-C-T.
Other names: c.34G>A, p.Glu12Lys (NM_000364.4, NM_001001430.3, NM_001001431.3 and 3 more transcripts); short protein forms E12K.
Identifiers: ClinVar variation 853044 (VCV000853044.23), dbSNP rs760247765, ClinGen allele CA027657.

ClinVar aggregate classification (germline): Uncertain significance. Review status: criteria provided, multiple submitters, no conflicts (2 of 4 stars). 9 submissions from 7 submitters: Uncertain significance (9). Last evaluated 2026-01-25.

Conditions:
Hypertrophic cardiomyopathy 2. Also called: TNNT2-Related Familial Hypertrophic Cardiomyopathy. Identifiers: MedGen C1861864, MONDO:0007266, OMIM 115195.
Dilated cardiomyopathy 1D. Identifiers: Orphanet 154, Orphanet 54260, MedGen C1832243, MONDO:0011095, OMIM 601494.
Cardiomyopathy, familial restrictive, 3. Identifiers: Orphanet 75249, MedGen C2676271, MONDO:0012900, OMIM 612422.
Cardiovascular phenotype. Identifiers: MedGen CN230736.
Cardiomyopathy (CMYO). Also called: Cardiomyopathies. Identifiers: Orphanet 167848, MedGen C0878544, MONDO:0004994, HP:0001638. Inheritance: Various modes of inheritance.

Allele frequency attached by ClinVar (database versions not stated): ExAC 0.00001; gnomAD exomes 0.00001 and 0.00002.
gnomAD v4.1: 9 of 1,614,154 alleles (0.00056%); highest among the groups gnomAD compares: East Asian, 0.0067%; no homozygotes.

Submissions (9):

Labcorp Genetics (formerly Invitae), Labcorp
Classification: Uncertain significance for Cardiomyopathy, familial restrictive, 3; Hypertrophic cardiomyopathy 2; Dilated cardiomyopathy 1D. Last evaluated: 2026-01-25. Review status: criteria provided, single submitter. Criteria: Invitae Variant Classification Sherloc (09022015). Collection method: clinical testing. Allele origin: germline.
Comment: This sequence change replaces glutamic acid, which is acidic and polar, with lysine, which is basic and polar, at codon 12 of the TNNT2 protein (p.Glu12Lys). This variant is present in population databases (rs760247765, gnomAD 0.01%). This variant has not been reported in the literature in individuals affected with TNNT2-related conditions. ClinVar contains an entry for this variant (Variation ID: 853044). Invitae Evidence Modeling of protein sequence and biophysical properties (such as structural, functional, and spatial information, amino acid conservation, physicochemical variation, residue mobility, and thermodynamic stability) indicates that this missense variant is expected to disrupt TNNT2 protein function with a positive predictive value of 95%. In summary, the available evidence is currently insufficient to determine the role of this variant in disease. Therefore, it has been classified as a Variant of Uncertain Significance.

All of Us Research Program, National Institutes of Health
Classification: Uncertain significance for Cardiomyopathy. Last evaluated: 2024-06-11. Review status: criteria provided, single submitter. Criteria: ACMG Guidelines, 2015. Collection method: clinical testing. Allele origin: germline. Inheritance: Autosomal dominant inheritance. Observed: 3 variant alleles, 3 heterozygotes.
Comment: This missense variant replaces glutamic acid with lysine at codon 12 of the TNNT2 protein. Computational prediction suggests that this variant may not impact protein structure and function (internally defined REVEL score threshold <= 0.5, PMID: 27666373). To our knowledge, functional studies have not been reported for this variant. This variant has not been reported in individuals affected with TNNT2-related disorders in the literature. This variant has been identified in 4/251468 chromosomes in the general population by the Genome Aggregation Database (gnomAD). The available evidence is insufficient to determine the role of this variant in disease conclusively. Therefore, this variant is classified as a Variant of Uncertain Significance.

This study involves interpretation of variants in research participants for the purpose of population health screening. Participant phenotype was not available at the time of variant classification. Additional details can be found in publication PMID: 35346344, PMCID: PMC8962531

Color Diagnostics, LLC DBA Color Health
Classification: Uncertain significance for Cardiomyopathy. Last evaluated: 2024-03-06. Review status: criteria provided, single submitter. Criteria: ACMG Guidelines, 2015. Collection method: clinical testing. Allele origin: germline.
Comment: This missense variant replaces glutamic acid with lysine at codon 12 of the TNNT2 protein. Computational prediction suggests that this variant may not impact protein structure and function (internally defined REVEL score threshold <= 0.5, PMID: 27666373). To our knowledge, functional studies have not been reported for this variant. This variant has not been reported in individuals affected with TNNT2-related disorders in the literature. This variant has been identified in 4/251468 chromosomes in the general population by the Genome Aggregation Database (gnomAD). The available evidence is insufficient to determine the role of this variant in disease conclusively. Therefore, this variant is classified as a Variant of Uncertain Significance.

Blueprint Genetics
Classification: Uncertain significance. Last evaluated: 2024-01-12. Review status: criteria provided, single submitter. Criteria: ACMG Guidelines, 2015. Collection method: clinical testing. Allele origin: germline.

Genome-Nilou Lab
Classification: Uncertain significance for Dilated cardiomyopathy 1D. Last evaluated: 2023-11-04. Review status: criteria provided, single submitter. Criteria: ACMG Guidelines, 2015. Collection method: clinical testing. Allele origin: germline. Affected: no.

Genome-Nilou Lab
Classification: Uncertain significance for Cardiomyopathy, familial restrictive, 3. Last evaluated: 2023-11-04. Review status: criteria provided, single submitter. Criteria: ACMG Guidelines, 2015. Collection method: clinical testing. Allele origin: germline. Affected: no.

Genome-Nilou Lab
Classification: Uncertain significance for Hypertrophic cardiomyopathy 2. Last evaluated: 2023-11-04. Review status: criteria provided, single submitter. Criteria: ACMG Guidelines, 2015. Collection method: clinical testing. Allele origin: germline. Affected: no.

Ambry Genetics
Classification: Uncertain significance for Cardiovascular phenotype. Last evaluated: 2022-12-07. Review status: criteria provided, single submitter. Criteria: Ambry Variant Classification Scheme 2023. Collection method: clinical testing. Allele origin: germline.
Comment: The p.E12K variant (also known as c.34G>A), located in coding exon 1 of the TNNT2 gene, results from a G to A substitution at nucleotide position 34. The glutamic acid at codon 12 is replaced by lysine, an amino acid with similar properties. This amino acid position is conserved. In addition, this alteration is predicted to be deleterious by in silico analysis. Since supporting evidence is limited at this time, the clinical significance of this alteration remains unclear.

CHEO Genetics Diagnostic Laboratory, Children's Hospital of Eastern Ontario
Classification: Uncertain significance for Cardiomyopathy. Last evaluated: 2022-07-06. Review status: criteria provided, single submitter. Criteria: ACMG Guidelines, 2015. Collection method: clinical testing. Allele origin: germline.